The following is an entry in ClinVar:

NM_001394062.1(MACF1):c.1483T>C (p.Tyr495His)

Gene: MACF1 (microtubule actin crosslinking factor 1; plus strand). Cytogenetic location: 1p34.3.
Variant type: single nucleotide variant.
Coding change: c.1483T>C on transcript NM_001394062.1 (MANE Select); coding-DNA position 1483, T replaced by C.
Protein change: p.Tyr495His; replaces tyrosine 495 with histidine.
Molecular consequence: missense variant.
Genome position (GRCh38, 1-based): chr1:39,285,733, T>C. VCF-style: chr1-39285733-T-C. GRCh37 (hg19) VCF-style: chr1-39751405-T-C.
Other names: c.1498T>C, p.Tyr500His (NM_012090.5); short protein forms Y495H, Y500H.
Identifiers: ClinVar variation 4975408 (VCV004975408.1).

ClinVar aggregate classification (germline): Uncertain significance (1 of 4 stars; one submission).

Submission:

GeneDx
Classification: Uncertain significance. Last evaluated: 2026-01-21. Review status: criteria provided, single submitter. Criteria: GeneDx Variant Classification Process June 2021. Collection method: clinical testing. Allele origin: germline.
Comment: Not observed at significant frequency in large population cohorts (gnomAD); In silico analysis supports that this missense variant has a deleterious effect on protein structure/function; Has not been previously published as pathogenic or benign to our knowledge